The following is an entry in ClinVar:

NM_000352.6(ABCC8):c.3868-1G>A

Gene: ABCC8 (ATP binding cassette subfamily C member 8; minus strand). Cytogenetic location: 11p15.1.
Variant type: single nucleotide variant.
Coding change: c.3868-1G>A on transcript NM_000352.6 (MANE Select); the canonical splice acceptor site of the intron before coding-DNA position 3868, G replaced by A.
Molecular consequence: splice acceptor variant.
Genome position (GRCh38, 1-based): chr11:17,397,314, C>T on the plus strand (G>A on the coding strand, the complement: ABCC8 is on the minus strand). VCF-style: chr11-17397314-C-T. GRCh37 (hg19) VCF-style: chr11-17418861-C-T.
Other names: c.3865-1G>A (NM_001351297.2); c.3868-1G>A (NM_001351296.2); c.3934-1G>A (NM_001351295.2); c.3871-1G>A (NM_001287174.3).
Identifiers: ClinVar variation 552652 (VCV000552652.17), dbSNP rs766431403, ClinGen allele CA5902656.

ClinVar aggregate classification (germline): Pathogenic/Likely pathogenic. Review status: criteria provided, multiple submitters, no conflicts (2 of 4 stars). 9 submissions from 8 submitters: Pathogenic (5); Likely pathogenic (1). 3 of the submissions do not count toward it. Last evaluated 2026-01-22.

Conditions:
Familial hyperinsulinism. Also called: Congenital hyperinsulinism. Identifiers: Orphanet 276525, MedGen C3888018, MONDO:0017182. Disease mechanism: loss of function.
Hyperinsulinemic hypoglycemia, familial, 1 (HHF1). Also called: HYPERINSULINISM, FAMILIAL, WITH PANCREATIC NESIDIOBLASTOSIS; HYPOGLYCEMIA, HYPERINSULINEMIC, OF INFANCY; Persistent hyperinsulinemic hypoglycemia of infancy; NESIDIOBLASTOSIS OF PANCREAS; Persistent Hyperinsulinemia Hypoglycemia of Infancy. Identifiers: Orphanet 276575, Orphanet 276598, MedGen C2931832, MONDO:0009734, OMIM 256450.
Maturity-onset diabetes of the young (MODY). Also called: Maturity onset diabetes mellitus in young. Identifiers: Orphanet 552, MedGen C0342276, MONDO:0018911, HP:0004904.
Neonatal diabetes mellitus (NDM). Identifiers: Orphanet 224, MedGen C0158981, MONDO:0016391.
Type 2 diabetes mellitus. Also called: Type II diabetes mellitus. Identifiers: MedGen C0011860, MeSH D003924, MONDO:0005148, OMIM 125853, HP:0005978.
Diabetes mellitus, transient neonatal, 2 (TNDM2). Identifiers: Orphanet 99886, MedGen C1835887, MONDO:0012480, OMIM 610374. Disease mechanism: loss of function.
Diabetes mellitus, permanent neonatal 3. Also called: ABCC8-Related Permanent Neonatal Diabetes Mellitus. Identifiers: MedGen C5394303, MONDO:0030088, OMIM 618857.
Leucine-induced hypoglycemia (LIH). Also called: LEUCINE-SENSITIVE HYPOGLYCEMIA OF INFANCY. Identifiers: MedGen C0271714, MONDO:0009415, OMIM 240800.
Hereditary hyperinsulinism.

Allele frequency attached by ClinVar (database versions not stated): gnomAD 0.00001; gnomAD exomes 0.00001 and 0.00002; ExAC 0.00002.
gnomAD v4.1: 12 of 1,610,562 alleles (0.00075%); highest among the groups gnomAD compares: South Asian, 0.012%; no homozygotes.

Submissions (9):

Natera, Inc.
Classification: Pathogenic for Hereditary hyperinsulinism. Last evaluated: 2026-01-22. Review status: criteria provided, single submitter. Criteria: Natera Variant Classification Schema (03/2026). Collection method: clinical testing. Allele origin: germline.
Comment: The c.3868-1G>A variant in ABCC8 is a canonical splice acceptor site variant predicted to affect pre-mRNA splicing, which may result in an abnormal transcript and altered protein product. This variant is expected to result in nonsense mediated decay, truncation, or a dysfunctional protein product. This variant is rare in the general population with a frequency below the threshold expected for the associated phenotype(s). This variant has been observed in one or more individuals affected with the associated recessive disease, as either homozygous or compound heterozygous with a second variant (PMID: 23345197, 22876564). Given the available evidence, this variant is classified as Pathogenic.

Women's Health and Genetics/Laboratory Corporation of America, LabCorp
Classification: Pathogenic for Familial hyperinsulinism. Last evaluated: 2025-05-19. Review status: criteria provided, single submitter. Criteria: LabCorp Variant Classification Summary - May 2015. Collection method: clinical testing. Allele origin: germline.
Comment: Variant summary: ABCC8 c.3868-1G>A is located in a canonical splice-site and is predicted to affect mRNA splicing resulting in a significantly altered protein due to either exon skipping, shortening, or inclusion of intronic material. Variants that disrupt the consensus splice site are a relatively common cause of aberrant splicing and loss of ABCC8 function. Several computational tools predict a significant impact on normal splicing: Four predict the variant abolishes a canonical 3' acceptor site. However, these predictions have yet to be confirmed by functional studies. The variant allele was found at a frequency of 1.6e-05 in 247796 control chromosomes. c.3868-1G>A has been observed in individual(s) affected with Congenital hyperinsulinism (example: Kapoor_2013). These data indicate that the variant is likely to be associated with disease. To our knowledge, no experimental evidence demonstrating an impact on protein function has been reported. ClinVar contains an entry for this variant (Variation ID: 552652). Based on the evidence outlined above, the variant was classified as pathogenic.

Fulgent Genetics
Classification: Likely pathogenic for Type 2 diabetes mellitus; Leucine-induced hypoglycemia; Hyperinsulinemic hypoglycemia, familial, 1; Diabetes mellitus, transient neonatal, 2; Diabetes mellitus, permanent neonatal 3. Last evaluated: 2024-03-22. Review status: criteria provided, single submitter. Criteria: ACMG Guidelines, 2015. Collection method: clinical testing. Allele origin: germline.

Broad Center for Mendelian Genomics, Broad Institute of MIT and Harvard
Classification: Pathogenic for Hyperinsulinemic hypoglycemia, familial, 1. Last evaluated: 2023-08-16. Review status: criteria provided, single submitter. Criteria: ACMG Guidelines, 2015. Collection method: curation. Allele origin: germline. Inheritance: Autosomal recessive inheritance.
Comment: The c.3868-1G>A variant in ABCC8 has been reported in at least 2 individuals with hyperinsulinemic hypoglycemia (PMID: 23345197, 22876564), and has been identified in 0.01% (3/30600) of South Asian chromosomes by the Genome Aggregation Database (gnomAD; dbSNP ID: rs766431403). Although this variant has been seen in the general population in a heterozygous state, its frequency is low enough to be consistent with a recessive carrier frequency. This variant has also been reported in ClinVar (Variation ID: 552652) and has been interpreted as pathogenic by Counsyl and Invitae and as a variant of uncertain significance by Clinical Genomics (Uppaluri K&H Personalized Medicine Clinic). Of the 2 affected individuals, both were homozygotes, which increases the likelihood that the c.3868-1G>A variant is pathogenic (PMID: 22876564, 23345197). This variant is located in the 3' splice region. SpliceAI predictions indicate use of an out-of-frame cryptic splice site 145 bases from the intron-exon boundary, providing evidence that this variant may cause a frameshift and lead to a premature termination codon downstream. This alteration is then predicted to lead to a truncated or absent protein. However, this information is not predictive enough to determine pathogenicity. Loss of function of the ABCC8 gene is an established disease mechanism in autosomal recessive hyperinsulinemic hypoglycemia. In summary, this variant meets criteria to be classified as pathogenic for autosomal recessive hyperinsulinemic hypoglycemia. ACMG/AMP Criteria applied: PM3, PM2_supporting, PVS1 (Richards 2015).

Baylor Genetics
Classification: Pathogenic for Type 2 diabetes mellitus. Last evaluated: 2023-02-10. Review status: criteria provided, single submitter. Criteria: ACMG Guidelines, 2015. Collection method: clinical testing. Allele origin: unknown.

Labcorp Genetics (formerly Invitae), Labcorp
Classification: Pathogenic. Last evaluated: 2021-10-22. Review status: criteria provided, single submitter. Criteria: Invitae Variant Classification Sherloc (09022015). Collection method: clinical testing. Allele origin: germline.
Comment: Disruption of this splice site has been observed in individuals with autosomal recessive familial hyperinsulinism (PMID: 22876564, 23345197). For these reasons, this variant has been classified as Pathogenic. Algorithms developed to predict the effect of sequence changes on RNA splicing suggest that this variant may disrupt the consensus splice site. ClinVar contains an entry for this variant (Variation ID: 552652). This variant is also known as c.3871-1G>A. This variant is present in population databases (rs766431403, ExAC 0.01%). This sequence change affects an acceptor splice site in intron 31 of the ABCC8 gene. It is expected to disrupt RNA splicing. Variants that disrupt the donor or acceptor splice site typically lead to a loss of protein function (PMID: 16199547), and loss-of-function variants in ABCC8 are known to be pathogenic (PMID: 20685672, 23345197).

Counsyl
Classification: Pathogenic for Hyperinsulinemic hypoglycemia, familial, 1. Last evaluated: 2017-06-26. Review status: no assertion criteria provided. Collection method: clinical testing. Allele origin: unknown. Not counted in ClinVar's aggregate classification.

Clinical Genomics, Uppaluri K&H Personalized Medicine Clinic
Classification: Uncertain risk allele for Neonatal diabetes mellitus. Last evaluated: 2024-05-27. Review status: flagged submission. Criteria: K And H Uppaluri Personalized Medicine Clinic Variant Classification And Assertion Criteria Updated V 2. Collection method: research. Allele origin: unknown. Not counted in ClinVar's aggregate classification.
Comment: This variant is found to be a potent moderate impact, variant with a CADD score of 34 and sufficient scientific evidence of gene-disease correlation. However, since this is not a high impact variant and no variant evidence, this variant is reclassified as Uncertain risk allele.
ClinVar note: Reason: Outlier claim with insufficient supporting evidence

Clinical Genomics, Uppaluri K&H Personalized Medicine Clinic
Classification: Uncertain risk allele for Maturity-onset diabetes of the young. Last evaluated: 2024-05-27. Review status: flagged submission. Criteria: K And H Uppaluri Personalized Medicine Clinic Variant Classification And Assertion Criteria Updated V 2. Collection method: research. Allele origin: unknown. Not counted in ClinVar's aggregate classification.
Comment: This variant is found to be a potent moderate impact variant with a CADD score of 34 and sufficient scientific evidence to support gene-disease correlation. However, since this is not a high impact variant and has no variant evidence, this variant is reclassified as Uncertain Risk Allele
ClinVar note: Reason: Outlier claim with insufficient supporting evidence

Literature cited by the submitters: PubMed 23345197 (cited by 4 submitters); PubMed 22876564 (cited by Natera, Inc. and Labcorp Genetics (formerly Invitae), Labcorp); PubMed 16199547 (cited by Labcorp Genetics (formerly Invitae), Labcorp); PubMed 20685672 (cited by Labcorp Genetics (formerly Invitae), Labcorp); PubMed 32376986 (cited by Clinical Genomics, Uppaluri K&H Personalized Medicine Clinic); PubMed 20922570 (cited by Clinical Genomics, Uppaluri K&H Personalized Medicine Clinic); PubMed 17389331 (cited by Clinical Genomics, Uppaluri K&H Personalized Medicine Clinic); PubMed 17919176 (cited by Clinical Genomics, Uppaluri K&H Personalized Medicine Clinic); PubMed 21738553 (cited by Clinical Genomics, Uppaluri K&H Personalized Medicine Clinic); PubMed 33013711 (cited by Clinical Genomics, Uppaluri K&H Personalized Medicine Clinic); PubMed 31216263 (cited by Clinical Genomics, Uppaluri K&H Personalized Medicine Clinic); PubMed 38095268 (cited by Clinical Genomics, Uppaluri K&H Personalized Medicine Clinic); PubMed 38513803 (cited by Clinical Genomics, Uppaluri K&H Personalized Medicine Clinic).